The following is an entry in ClinVar:

ClinVar aggregate classification (germline): Pathogenic (1 of 4 stars; one submission).

Conditions:
Retinitis pigmentosa 39 (RP39). Identifiers: Orphanet 791, MedGen C3151138, MONDO:0013436, OMIM 613809.

gnomAD v4.1: 1 of 1,613,468 alleles (0.000062%); highest among the groups gnomAD compares: Non-Finnish European, 0.000085%; no homozygotes.

Submission:

Centre for Human Genetics, University of Kinshasa
Classification: Pathogenic for Retinitis pigmentosa 39. Last evaluated: 2024-03-07. Review status: criteria provided, single submitter. Criteria: ACMG Guidelines, 2015. Collection method: research. Allele origin: maternal. Inheritance: Autosomal recessive inheritance. Affected: yes. Observed: 1 compound heterozygote.
Comment: The variants in a gene (USH2A) are previously associated with Retinitis pigmentosa 39 and Usher syndrome, type 2A. The variant leads to a stop codon in a gene in which null variants are a known mechanism of pathogenicity for the condition. 1427 pathogenic null variants were reported in ClinVar for this gene across 70 different exons, of which 20 variants in this exon (25). Computational prediction tools unanimously support a deleterious effect on the gene. The variant is present from the gnomAD population database (Allele frequency is extremely low in all databases). This variant was assumed to be in trans with a 8kb deletion (chr1:215668976-215676960) on the other chromosome, matching with the known mode of inheritance and with the compound heterozygosity as the most likely genotype.

NM_206933.4(USH2A):c.5117G>A (p.Trp1706Ter)

Genes: USH2A (usherin; minus strand), USH2A-AS2 (USH2A antisense RNA 2; plus strand). Cytogenetic location: 1q41.
Variant type: single nucleotide variant.
Coding change: c.5117G>A on transcript NM_206933.4 (MANE Select); coding-DNA position 5117, G replaced by A.
Protein change: p.Trp1706Ter; replaces tryptophan 1706 with a stop codon.
Molecular consequence: nonsense.
Genome position (GRCh38, 1-based): chr1:216,084,748, C>T on the plus strand (G>A on the coding strand, the complement: USH2A is on the minus strand). VCF-style: chr1-216084748-C-T. GRCh37 (hg19) VCF-style: chr1-216258090-C-T.
Other names: short protein forms W1706*.
Identifiers: ClinVar variation 3341287 (VCV003341287.1).